The following is an entry in ClinVar:

NM_005529.7(HSPG2):c.7751_7752del (p.Arg2584fs)

Gene: HSPG2 (heparan sulfate proteoglycan 2; minus strand). Cytogenetic location: 1p36.12.
Variant type: Deletion.
Coding change: c.7751_7752del on transcript NM_005529.7 (MANE Select); coding-DNA positions 7751 to 7752, 2 bases deleted (GG; older notation c.7751_7752delGG).
Protein change: p.Arg2584fs; shifts the reading frame from arginine 2584.
Molecular consequence: frameshift variant.
Genome position (GRCh38, 1-based): chr1:21,848,079-21,848,080, CC deleted on the plus strand (GG on the coding strand, the reverse complement: HSPG2 is on the minus strand). VCF-style (leftmost placement, unchanged base first): chr1-21848078-GCC-G. GRCh37 (hg19) VCF-style: chr1-22174571-GCC-G.
Other names: c.7754_7755del, p.Arg2585fs (NM_001291860.2); short protein forms R2584fs, R2585fs.
Identifiers: ClinVar variation 3625609 (VCV003625609.2).
Genomic context (GRCh38, chr1:21,848,078, plus strand): 5'-CGTTACTGACGTGACACACGTACTCGCCCGAGTCTGCCGGAGTCACCTGAGGGATCCGCA[GCC>G]GGGAGCCCACGATCTGCAGGAAGCAGATGGCAGGAGGTATGGCAGTAGGTGTGGGCAGCT-3'

ClinVar aggregate classification (germline): Pathogenic (1 of 4 stars; one submission).

Submission:

Labcorp Genetics (formerly Invitae), Labcorp
Classification: Pathogenic. Last evaluated: 2025-01-21. Review status: criteria provided, single submitter. Criteria: Invitae Variant Classification Sherloc (09022015). Collection method: clinical testing. Allele origin: germline.
Comment: This sequence change creates a premature translational stop signal (p.Arg2584Profs*20) in the HSPG2 gene. It is expected to result in an absent or disrupted protein product. Loss-of-function variants in HSPG2 are known to be pathogenic (PMID: 11279527, 16927315, 20542149, 23836246). This variant is not present in population databases (gnomAD no frequency). This variant has not been reported in the literature in individuals affected with HSPG2-related conditions. For these reasons, this variant has been classified as Pathogenic.

Literature cited by the submitters: PubMed 11279527; PubMed 16927315; PubMed 20542149; PubMed 23836246.